The following is an entry in ClinVar:

ClinVar aggregate classification (germline): Uncertain significance (1 of 4 stars; one submission).

Conditions:
Cardiovascular phenotype. Identifiers: MedGen CN230736.

Submission:

Ambry Genetics
Classification: Uncertain significance for Cardiovascular phenotype. Last evaluated: 2025-10-12. Review status: criteria provided, single submitter. Criteria: Ambry Variant Classification Scheme 2023. Collection method: clinical testing. Allele origin: germline.
Comment: The p.A152V variant (also known as c.455C>T), located in coding exon 1 of the GATA4 gene, results from a C to T substitution at nucleotide position 455. The alanine at codon 152 is replaced by valine, an amino acid with similar properties. This amino acid position is conserved. In addition, the in silico prediction for this alteration is inconclusive. Based on the available evidence, the clinical significance of this variant remains unclear.

NM_001308093.3(GATA4):c.455C>T (p.Ala152Val)

Gene: GATA4 (GATA binding protein 4). Cytogenetic location: 8p23.1.
Variant type: single nucleotide variant.
Coding change: c.455C>T on transcript NM_001308093.3 (MANE Select); coding-DNA position 455, C replaced by T.
Protein change: p.Ala152Val; replaces alanine 152 with valine.
Molecular consequence: missense variant. On other transcripts: intron variant (3).
Genome position (GRCh38, 1-based): chr8:11,708,767, C>T. VCF-style: chr8-11708767-C-T. GRCh37 (hg19) VCF-style: chr8-11566276-C-T.
Other names: c.455C>T, p.Ala152Val (NM_002052.5); c.-6+7989C>T (NM_001308094.2); c.-3+753C>T (NM_001374274.1); c.-3+4463C>T (NM_001374273.1); short protein forms A152V.
Identifiers: ClinVar variation 4614228 (VCV004614228.1).